The following is an entry in ClinVar:

NM_006642.5(SDCCAG8):c.1115del (p.Ala372fs)

Gene: SDCCAG8 (SHH signaling and ciliogenesis regulator SDCCAG8; plus strand). Cytogenetic location: 1q43.
Variant type: Deletion.
Coding change: c.1115del on transcript NM_006642.5 (MANE Select); coding-DNA position 1115, one base deleted (C; older notation c.1115delC).
Protein change: p.Ala372fs; shifts the reading frame from alanine 372.
Molecular consequence: frameshift variant.
Genome position (GRCh38, 1-based): chr1:243,330,586, C deleted. VCF-style (leftmost placement, unchanged base first): chr1-243330585-GC-G. GRCh37 (hg19) VCF-style: chr1-243493887-GC-G.
Other names: c.212del, p.Ala71fs (NM_001350246.2, NM_001350247.2, NM_001350251.2); c.1211del, p.Ala404fs (NM_001350248.2); c.821del, p.Ala274fs (NM_001350249.2); short protein forms A274fs, A372fs, A404fs, A71fs.
Identifiers: ClinVar variation 4880513 (VCV004880513.2).

ClinVar aggregate classification (germline): Likely pathogenic (1 of 4 stars; one submission).

Conditions:
Bardet-Biedl syndrome 16 (BBS16). Identifiers: Orphanet 110, MedGen C3889474, MONDO:0014444, OMIM 615993.

Submission:

Dasa
Classification: Likely pathogenic for Bardet-Biedl syndrome 16. Last evaluated: 2025-11-11. Review status: criteria provided, single submitter. Criteria: DASA Assertion Criteria. Collection method: clinical testing. Allele origin: germline.
Comment: NM_006642.5(SDCCAG8):c.1115del (p.Ala372Glyfs*21) is a frameshift variant in SDCCAG8 predicted to alter the reading frame and introduce a premature termination codon and is predicted to result in an absent or altered protein product. Loss of function is an established disease mechanism for SDCCAG8-associated disorders. Also, this variant is absent from population databases. Based on the currently available evidence, this variant is classified as likely pathogenic.